The following is an entry in ClinVar:

NM_002972.4(SBF1):c.2301C>T (p.Leu767=)

Gene: SBF1 (SET binding factor 1; minus strand). Cytogenetic location: 22q13.33.
Variant type: single nucleotide variant.
Coding change: c.2301C>T on transcript NM_002972.4 (MANE Select); coding-DNA position 2301, C replaced by T.
Protein change: p.Leu767=; no amino-acid change (leucine 767 retained).
Molecular consequence: synonymous variant.
Genome position (GRCh38, 1-based): chr22:50,462,300, G>A on the plus strand (C>T on the coding strand, the complement: SBF1 is on the minus strand). VCF-style: chr22-50462300-G-A. GRCh37 (hg19) VCF-style: chr22-50900729-G-A.
Other names: p.Leu767=; c.2304C>T, p.Leu768= (NM_001365819.1).
Identifiers: ClinVar variation 1654748 (VCV001654748.9), dbSNP rs764161986, ClinGen allele CA10317282.

ClinVar aggregate classification (germline): Likely benign. Review status: criteria provided, multiple submitters, no conflicts (2 of 4 stars). 2 submissions from 2 submitters: Likely benign (2). Last evaluated 2025-12-15.

Allele frequency attached by ClinVar (database versions not stated): gnomAD exomes 0.00001 and 0.00003; ExAC 0.00002; gnomAD 0.00003 and 0.00004; TOPMed 0.00005.
gnomAD v4.1: 19 of 1,613,640 alleles (0.0012%); highest among the groups gnomAD compares: Admixed American, 0.018%; 1 homozygote.

Submissions (2):

Labcorp Genetics (formerly Invitae), Labcorp
Classification: Likely benign. Last evaluated: 2025-12-15. Review status: criteria provided, single submitter. Criteria: Invitae Variant Classification Sherloc (09022015). Collection method: clinical testing. Allele origin: germline.

Mayo Clinic Laboratories, Mayo Clinic
Classification: Likely benign. Last evaluated: 2025-10-09. Review status: criteria provided, single submitter. Criteria: ACMG Guidelines, 2015. Collection method: clinical testing. Allele origin: germline. Observed: 1 variant allele.
Comment: BP4, BP7